The following is an entry in ClinVar:

ClinVar aggregate classification (germline): Uncertain significance (1 of 4 stars; one submission).

Submission:

Labcorp Genetics (formerly Invitae), Labcorp
Classification: Uncertain significance. Last evaluated: 2022-07-12. Review status: criteria provided, single submitter. Criteria: Invitae Variant Classification Sherloc (09022015). Collection method: clinical testing. Allele origin: germline.
Comment: This variant has not been reported in the literature in individuals affected with DLX6-related conditions. In summary, the available evidence is currently insufficient to determine the role of this variant in disease. Therefore, it has been classified as a Variant of Uncertain Significance. Experimental studies and prediction algorithms are not available or were not evaluated, and the functional significance of this variant is currently unknown. The frequency data for this variant in the population databases is considered unreliable, as metrics indicate poor data quality at this position in the gnomAD database. This variant, c.270_275dup, results in the insertion of 2 amino acid(s) of the DLX6 protein (p.His90_His91dup), but otherwise preserves the integrity of the reading frame.

NM_005222.4(DLX6):c.258CCA[8] (p.His90_His91dup)

Genes: DLX6 (distal-less homeobox 6; plus strand), DLX6-AS1 (DLX6 antisense RNA 1; minus strand). Cytogenetic location: 7q21.3.
Variant type: Microsatellite.
Coding change: c.258CCA[8] on transcript NM_005222.4 (MANE Select); eight copies in a row of the 3-base unit CCA starting at c.258; the reference has six copies in a row; two copies, 6 bases duplicated.
Protein change: p.His90_His91dup.
Molecular consequence: inframe insertion.
Genome position (GRCh38, 1-based): chr7:97,006,247-97,006,252, CCACCA duplicated; duplicating any 6 consecutive bases within chr7:97,006,233-97,006,252 gives the same sequence; the position shown is the placement nearest the transcript's 3' end. VCF-style (leftmost placement, unchanged base first): chr7-97006232-G-GCACCAC. GRCh37 (hg19) VCF-style: chr7-96635544-G-GCACCAC.
Identifiers: ClinVar variation 1442762 (VCV001442762.8), dbSNP rs746036175, ClinGen allele CA4353755.
Genomic context (GRCh38, chr7:97,006,232, plus strand): 5'-AGGCGCGCACTACCCTCTGCACTGCCTGCACTCGGCGGCGGCGGCGGCAGCGGCCGGCTC[G>GCACCAC]CACCACCACCACCACCACCAGCACCACCACCACGGCTCGCCCTACGCGTCGGGCGGAGGG-3'